The following is an entry in ClinVar:

NM_031418.4(ANO3):c.2474T>C (p.Ile825Thr)

Gene: ANO3 (anoctamin 3; plus strand). Cytogenetic location: 11p14.2.
Variant type: single nucleotide variant.
Coding change: c.2474T>C on transcript NM_031418.4 (MANE Select); coding-DNA position 2474, T replaced by C.
Protein change: p.Ile825Thr; replaces isoleucine 825 with threonine.
Molecular consequence: missense variant.
Genome position (GRCh38, 1-based): chr11:26,647,754, T>C. VCF-style: chr11-26647754-T-C. GRCh37 (hg19) VCF-style: chr11-26669301-T-C.
Other names: c.2657T>C, p.Ile886Thr (NM_001313726.2); c.2036T>C, p.Ile679Thr (NM_001313727.2); short protein forms I886T, I679T, I825T.
Identifiers: ClinVar variation 2716940 (VCV002716940.3), dbSNP rs1024288831, ClinGen allele CA219413962.

ClinVar aggregate classification (germline): Uncertain significance (1 of 4 stars; one submission).

Conditions:
Dystonic disorder. Also called: Dystonia. Identifiers: MedGen C0013421, MONDO:0003441, HP:0001332.

Allele frequency attached by ClinVar (database versions not stated): TOPMed below 0.00001.

Submission:

Labcorp Genetics (formerly Invitae), Labcorp
Classification: Uncertain significance for Dystonic disorder. Last evaluated: 2023-08-07. Review status: criteria provided, single submitter. Criteria: Invitae Variant Classification Sherloc (09022015). Collection method: clinical testing. Allele origin: germline.
Comment: This sequence change replaces isoleucine, which is neutral and non-polar, with threonine, which is neutral and polar, at codon 825 of the ANO3 protein (p.Ile825Thr). This variant is not present in population databases (gnomAD no frequency). This variant has not been reported in the literature in individuals affected with ANO3-related conditions. Advanced modeling of protein sequence and biophysical properties (such as structural, functional, and spatial information, amino acid conservation, physicochemical variation, residue mobility, and thermodynamic stability) performed at Invitae indicates that this missense variant is not expected to disrupt ANO3 protein function. In summary, the available evidence is currently insufficient to determine the role of this variant in disease. Therefore, it has been classified as a Variant of Uncertain Significance.